The following is an entry in ClinVar:

ClinVar aggregate classification (germline): Conflicting classifications of pathogenicity. Review status: criteria provided, conflicting classifications (1 of 4 stars). 5 submissions from 5 submitters: Uncertain significance (2); Likely benign (3). Last evaluated 2025-03-10.

Conditions:
Arrhythmogenic right ventricular dysplasia 5. Also called: Arrhythmogenic Right Ventricular Dysplasia/Cardiomyopathy 5; ARRHYTHMOGENIC RIGHT VENTRICULAR DYSPLASIA, FAMILIAL, 5. Identifiers: MedGen C1858379, MONDO:0011459, OMIM 604400.
Cardiomyopathy (CMYO). Also called: Cardiomyopathies. Identifiers: Orphanet 167848, MedGen C0878544, MONDO:0004994, HP:0001638. Inheritance: Various modes of inheritance.
Cardiovascular phenotype. Identifiers: MedGen CN230736.

Allele frequency attached by ClinVar (database versions not stated): gnomAD 0.00003; TOPMed 0.00003; gnomAD exomes 0.00004; ExAC 0.00007.
gnomAD v4.1: 56 of 1,610,438 alleles (0.0035%); highest among the groups gnomAD compares: Non-Finnish European, 0.0042%; no homozygotes.

Submissions (5):

Color Diagnostics, LLC DBA Color Health
Classification: Uncertain significance for Cardiomyopathy. Last evaluated: 2025-03-10. Review status: criteria provided, single submitter. Criteria: ACMG Guidelines, 2015. Collection method: clinical testing. Allele origin: germline.
Comment: This variant changes 1 nucleotide in the 5' untranslated region of the TMEM43 gene. To our knowledge, functional studies have not been reported for this variant. This variant has not been reported in individuals affected with cardiovascular disorders in the literature. This variant has been identified in 12/270184 chromosomes in the general population by the Genome Aggregation Database (gnomAD). The available evidence is insufficient to determine the role of this variant in disease conclusively. Therefore, this variant is classified as a Variant of Uncertain Significance.

Blueprint Genetics
Classification: Likely benign. Last evaluated: 2024-10-16. Review status: criteria provided, single submitter. Criteria: ACMG Guidelines, 2015. Collection method: clinical testing. Allele origin: germline.

All of Us Research Program, National Institutes of Health
Classification: Uncertain significance for Arrhythmogenic right ventricular dysplasia 5. Last evaluated: 2023-12-13. Review status: criteria provided, single submitter. Criteria: ACMG Guidelines, 2015. Collection method: clinical testing. Allele origin: germline. Inheritance: Autosomal dominant inheritance. Observed: 7 variant alleles, 7 heterozygotes.
Comment: This variant changes 1 nucleotide in the 5' untranslated region of the TMEM43 gene. To our knowledge, functional studies have not been reported for this variant. This variant has not been reported in individuals affected with cardiovascular disorders in the literature. This variant has been identified in 12/270184 chromosomes in the general population by the Genome Aggregation Database (gnomAD). The available evidence is insufficient to determine the role of this variant in disease conclusively. Therefore, this variant is classified as a Variant of Uncertain Significance.

This study involves interpretation of variants in research participants for the purpose of population health screening. Participant phenotype was not available at the time of variant classification. Additional details can be found in publication PMID: 35346344, PMCID: PMC8962531

Ambry Genetics
Classification: Likely benign for Cardiovascular phenotype. Last evaluated: 2021-07-16. Review status: criteria provided, single submitter. Criteria: Ambry Variant Classification Scheme 2023. Collection method: clinical testing. Allele origin: germline.

GeneDx
Classification: Likely benign. Last evaluated: 2015-12-17. Review status: criteria provided, single submitter. Criteria: GeneDx Variant Classification (06012015). Collection method: clinical testing. Allele origin: germline. Affected: yes.
Comment: This variant is considered likely benign or benign based on one or more of the following criteria: it is a conservative change, it occurs at a poorly conserved position in the protein, it is predicted to be benign by multiple in silico algorithms, and/or has population frequency not consistent with disease.

NM_024334.3(TMEM43):c.-2C>T

Gene: TMEM43 (transmembrane protein 43; plus strand). Cytogenetic location: 3p25.1.
Variant type: single nucleotide variant.
Coding change: c.-2C>T on transcript NM_024334.3 (MANE Select); 2 bases upstream of the start codon, C replaced by T.
Molecular consequence: 5 prime UTR variant.
Genome position (GRCh38, 1-based): chr3:14,125,192, C>T. VCF-style: chr3-14125192-C-T. GRCh37 (hg19) VCF-style: chr3-14166692-C-T.
Other names: c.-2C>T (NM_001407274.1, NM_001407275.1, NM_001407276.1 and 4 more transcripts).
Identifiers: ClinVar variation 382350 (VCV000382350.7), dbSNP rs754747623, ClinGen allele CA052792.